The following is an entry in ClinVar:

NM_019066.5(MAGEL2):c.1997dup (p.Gln667fs)

Gene: MAGEL2 (MAGE family member L2; minus strand). Cytogenetic location: 15q11.2.
Variant type: Duplication.
Coding change: c.1997dup on transcript NM_019066.5 (MANE Select); coding-DNA position 1997, one base duplicated (A; older notation c.1997dupA).
Protein change: p.Gln667fs; shifts the reading frame from glutamine 667.
Molecular consequence: frameshift variant.
Genome position (GRCh38, 1-based): chr15:23,645,746, T duplicated on the plus strand (A on the coding strand, the reverse complement: MAGEL2 is on the minus strand). VCF-style (leftmost placement, unchanged base first): chr15-23645745-C-CT. GRCh37 (hg19) VCF-style: chr15-23890892-C-CT.
Other names: short protein forms Q667fs.
Identifiers: ClinVar variation 3905715 (VCV003905715.10).

ClinVar aggregate classification (germline): Likely pathogenic (1 of 4 stars; one submission).

Submission:

CeGaT Center for Human Genetics Tuebingen
Classification: Likely pathogenic. Last evaluated: 2025-05-01. Review status: criteria provided, single submitter. Criteria: CeGaT Center For Human Genetics Tuebingen Variant Classification Criteria Version 2. Collection method: clinical testing. Allele origin: germline. Affected: yes. Observed: 1 variant allele.
Comment: MAGEL2: PVS1:Strong, PM2, PS2:Moderate